The following is an entry in ClinVar:

ClinVar aggregate classification (germline): Uncertain significance (1 of 4 stars; one submission).

Allele frequency attached by ClinVar (database versions not stated): TOPMed below 0.00001.

Submission:

GeneDx
Classification: Uncertain significance. Last evaluated: 2022-09-16. Review status: criteria provided, single submitter. Criteria: GeneDx Variant Classification Process June 2021. Collection method: clinical testing. Allele origin: germline. Affected: yes.
Comment: Not observed at significant frequency in large population cohorts (gnomAD); In silico analysis supports that this missense variant has a deleterious effect on protein structure/function; Has not been previously published as pathogenic or benign to our knowledge

NM_006922.4(SCN3A):c.593T>C (p.Ile198Thr)

Gene: SCN3A (sodium voltage-gated channel alpha subunit 3; minus strand). Cytogenetic location: 2q24.3.
Variant type: single nucleotide variant.
Coding change: c.593T>C on transcript NM_006922.4 (MANE Select); coding-DNA position 593, T replaced by C.
Protein change: p.Ile198Thr; replaces isoleucine 198 with threonine.
Molecular consequence: missense variant.
Genome position (GRCh38, 1-based): chr2:165,164,401, A>G on the plus strand (T>C on the coding strand, the complement: SCN3A is on the minus strand). VCF-style: chr2-165164401-A-G. GRCh37 (hg19) VCF-style: chr2-166020911-A-G.
Other names: c.593T>C, p.Ile198Thr (NM_001081676.2, NM_001081677.2); short protein forms I198T.
Identifiers: ClinVar variation 2444767 (VCV002444767.1), dbSNP rs1689607886, ClinGen allele CA349239891.